The following is an entry in ClinVar:

NM_005902.4(SMAD3):c.82G>A (p.Glu28Lys)

Gene: SMAD3 (SMAD family member 3; plus strand). Cytogenetic location: 15q22.33.
Variant type: single nucleotide variant.
Coding change: c.82G>A on transcript NM_005902.4 (MANE Select); coding-DNA position 82, G replaced by A.
Protein change: p.Glu28Lys; replaces glutamic acid 28 with lysine.
Molecular consequence: missense variant.
Genome position (GRCh38, 1-based): chr15:67,066,236, G>A. VCF-style: chr15-67066236-G-A. GRCh37 (hg19) VCF-style: chr15-67358574-G-A.
Other names: c.82G>A, p.Glu28Lys (NM_001407011.1, NM_001407012.1, NM_001407013.1); short protein forms E28K.
Identifiers: ClinVar variation 4074655 (VCV004074655.1).
Genomic context (GRCh38, chr15:67,066,236, plus strand): 5'-ACTCCCCCGATCGTGAAGCGCCTGCTGGGCTGGAAGAAGGGCGAGCAGAACGGGCAGGAG[G>A]AGAAATGGTGCGAGAAGGCGGTCAAGAGCCTGGTCAAGAAACTCAAGAAGACGGGGCAGC-3'
Protein context (NP_005893.1, residues 18-38): WKKGEQNGQE[Glu28Lys]KWCEKAVKSL

ClinVar aggregate classification (germline): Uncertain significance (1 of 4 stars; one submission).

Submission:

GeneDx
Classification: Uncertain significance. Last evaluated: 2025-02-07. Review status: criteria provided, single submitter. Criteria: GeneDx Variant Classification Process June 2021. Collection method: clinical testing. Allele origin: germline. Affected: yes.
Comment: Not observed at significant frequency in large population cohorts (gnomAD); In silico analysis supports that this missense variant has a deleterious effect on protein structure/function; Has not been previously published as pathogenic or benign to our knowledge